The following is an entry in ClinVar:

NM_138409.4(MRAP2):c.78A>G (p.Glu26=)

Gene: MRAP2 (melanocortin 2 receptor accessory protein 2; plus strand). Cytogenetic location: 6q14.2.
Variant type: single nucleotide variant.
Coding change: c.78A>G on transcript NM_138409.4 (MANE Select); coding-DNA position 78, A replaced by G.
Protein change: p.Glu26=; no amino-acid change (glutamic acid 26 retained).
Molecular consequence: synonymous variant. On other transcripts: 5 prime UTR variant (2).
Genome position (GRCh38, 1-based): chr6:84,055,396, A>G. VCF-style: chr6-84055396-A-G. GRCh37 (hg19) VCF-style: chr6-84765115-A-G.
Other names: c.-81A>G (NM_001346541.2); c.78A>G, p.Glu26= (NM_001346542.2, NM_001346544.2); c.-182A>G (NM_001346543.2).
Identifiers: ClinVar variation 3031367 (VCV003031367.2), dbSNP rs374857377, ClinGen allele CA3909549.

ClinVar aggregate classification (germline): Likely benign (0 of 4 stars; one submission).

Conditions:
MRAP2-related disorder. Also called: MRAP2-related condition.

Allele frequency attached by ClinVar (database versions not stated): gnomAD 0.00001; gnomAD exomes 0.00001; TOPMed 0.00001; ExAC 0.00002; ESP Exome Variant Server 0.00008.
gnomAD v4.1: 11 of 1,613,266 alleles (0.00068%); highest among the groups gnomAD compares: Non-Finnish European, 0.00093%; no homozygotes.

Submission:

PreventionGenetics, part of Exact Sciences
Classification: Likely benign for MRAP2-related condition. Last evaluated: 2023-12-15. Review status: no assertion criteria provided. Collection method: clinical testing. Allele origin: germline.
Comment: This variant is classified as likely benign based on ACMG/AMP sequence variant interpretation guidelines (Richards et al. 2015 PMID: 25741868, with internal and published modifications).